The following is an entry in ClinVar:

ClinVar aggregate classification (germline): Likely benign. Review status: criteria provided, multiple submitters, no conflicts (2 of 4 stars). 2 submissions from 2 submitters: Likely benign (2). Last evaluated 2022-08-27.

Conditions:
Familial thoracic aortic aneurysm and aortic dissection (TAAD). Also called: Thoracic aortic aneurysms and dissections. Identifiers: Orphanet 91387, MedGen C4707243, MONDO:0019625.

Allele frequency attached by ClinVar (database versions not stated): TOPMed below 0.00001; ExAC 0.00001; gnomAD exomes 0.00001.
gnomAD v4.1: 4 of 1,613,814 alleles (0.00025%); highest among the groups gnomAD compares: Middle Eastern, 0.017%; no homozygotes.

Submissions (2):

Ambry Genetics
Classification: Likely benign for Familial thoracic aortic aneurysm and aortic dissection. Last evaluated: 2022-08-27. Review status: criteria provided, single submitter. Criteria: Ambry Variant Classification Scheme 2023. Collection method: clinical testing. Allele origin: germline.

GeneDx
Classification: Likely benign. Last evaluated: 2017-12-26. Review status: criteria provided, single submitter. Criteria: GeneDx Variant Classification (06012015). Collection method: clinical testing. Allele origin: germline. Affected: yes.
Comment: This variant is considered likely benign or benign based on one or more of the following criteria: it is a conservative change, it occurs at a poorly conserved position in the protein, it is predicted to be benign by multiple in silico algorithms, and/or has population frequency not consistent with disease.

NM_001999.4(FBN2):c.7167G>A (p.Glu2389=)

Gene: FBN2 (fibrillin 2; minus strand). Cytogenetic location: 5q23.3.
Variant type: single nucleotide variant.
Coding change: c.7167G>A on transcript NM_001999.4 (MANE Select); coding-DNA position 7167, G replaced by A.
Protein change: p.Glu2389=; no amino-acid change (glutamic acid 2389 retained).
Molecular consequence: synonymous variant.
Genome position (GRCh38, 1-based): chr5:128,278,813, C>T on the plus strand (G>A on the coding strand, the complement: FBN2 is on the minus strand). VCF-style: chr5-128278813-C-T. GRCh37 (hg19) VCF-style: chr5-127614505-C-T.
Identifiers: ClinVar variation 514188 (VCV000514188.3), dbSNP rs761050040, ClinGen allele CA3394189.